The following is an entry in ClinVar:

NM_001165963.4(SCN1A):c.1177C>G (p.Arg393Gly)

Gene: SCN1A (sodium voltage-gated channel alpha subunit 1; minus strand). Cytogenetic location: 2q24.3.
Variant type: single nucleotide variant.
Coding change: c.1177C>G on transcript NM_001165963.4 (MANE Select); coding-DNA position 1177, C replaced by G.
Protein change: p.Arg393Gly; replaces arginine 393 with glycine.
Molecular consequence: missense variant. On other transcripts: 5 prime UTR variant (1), non-coding transcript variant (1).
Genome position (GRCh38, 1-based): chr2:166,046,970, G>C on the plus strand (C>G on the coding strand, the complement: SCN1A is on the minus strand). VCF-style: chr2-166046970-G-C. GRCh37 (hg19) VCF-style: chr2-166903480-G-C.
Other names: c.1177C>G, p.Arg393Gly (NM_001165964.3, NM_001202435.3, NM_001353948.2 and 10 more transcripts); c.-1249C>G (NM_001353961.2); short protein forms R393G.
Identifiers: ClinVar variation 2848903 (VCV002848903.3), dbSNP rs121917929, ClinGen allele CA349071039.
Genomic context (GRCh38, chr2:166,046,970, plus strand): 5'-AGAATGAGCCCAAGAAAATGACCAATACAAAAAATATCATGTACGTTTTCCCAGCAGCAC[G>C]TAATGTCTGCAAACAAAAATATCAGAATTATTTCTCAATATTATTTCACTAAGTGGTGGC-3'
Protein context (NP_001159435.1, residues 383-403): FWENLYQLTL[Arg393Gly]AAGKTYMIFF

ClinVar aggregate classification (germline): Likely pathogenic (1 of 4 stars; one submission).

Conditions:
Early-infantile DEE. Also called: Early infantile epileptic encephalopathy; Early infantile epileptic encephalopathy with suppression bursts; Ohtahara syndrome. Identifiers: Orphanet 1934, MedGen C0393706, MONDO:0800491.

Submission:

Labcorp Genetics (formerly Invitae), Labcorp
Classification: Likely pathogenic for Early-infantile DEE. Last evaluated: 2023-03-23. Review status: criteria provided, single submitter. Criteria: Invitae Variant Classification Sherloc (09022015). Collection method: clinical testing. Allele origin: germline.
Comment: In summary, the currently available evidence indicates that the variant is pathogenic, but additional data are needed to prove that conclusively. Therefore, this variant has been classified as Likely Pathogenic. This variant disrupts the p.Arg393 amino acid residue in SCN1A. Other variant(s) that disrupt this residue have been determined to be pathogenic (PMID: 12754708, 22780858, 23195492, 28544625). This suggests that this residue is clinically significant, and that variants that disrupt this residue are likely to be disease-causing. Advanced modeling of protein sequence and biophysical properties (such as structural, functional, and spatial information, amino acid conservation, physicochemical variation, residue mobility, and thermodynamic stability) performed at Invitae indicates that this missense variant is expected to disrupt SCN1A protein function. This variant has not been reported in the literature in individuals affected with SCN1A-related conditions. This variant is not present in population databases (gnomAD no frequency). This sequence change replaces arginine, which is basic and polar, with glycine, which is neutral and non-polar, at codon 393 of the SCN1A protein (p.Arg393Gly).

Literature cited by the submitters: PubMed 12754708; PubMed 22780858; PubMed 23195492; PubMed 28544625.